The following is an entry in ClinVar:

ClinVar aggregate classification (germline): Uncertain significance. Review status: criteria provided, multiple submitters, no conflicts (2 of 4 stars). 4 submissions from 4 submitters: Uncertain significance (4). Last evaluated 2024-04-30.

Conditions:
Xeroderma pigmentosum, group F (XPF). Also called: ERCC4-Related Xeroderma Pigmentosum; XERODERMA PIGMENTOSUM, TYPE F; Xeroderma pigmentosum, type 6; XERODERMA PIGMENTOSUM, COMPLEMENTATION GROUP F; XERODERMA PIGMENTOSUM VI; XP, GROUP F. Identifiers: MedGen C0268140, MONDO:0010215, OMIM 278760.
Cockayne syndrome. Identifiers: Orphanet 191, MedGen C0009207, MONDO:0016006.
Fanconi anemia complementation group Q. Identifiers: Orphanet 84, MedGen C3808988, MONDO:0014108, OMIM 615272.

Allele frequency attached by ClinVar (database versions not stated): gnomAD exomes 0.00007 and 0.00004; ESP Exome Variant Server 0.00015; TOPMed 0.00001; ExAC 0.00002; gnomAD 0.00002.
gnomAD v4.1: 109 of 1,613,854 alleles (0.0068%); highest among the groups gnomAD compares: Non-Finnish European, 0.0091%; no homozygotes.

Submissions (4):

Labcorp Genetics (formerly Invitae), Labcorp
Classification: Uncertain significance for Fanconi anemia complementation group Q; Xeroderma pigmentosum, group F; Cockayne syndrome. Last evaluated: 2024-04-30. Review status: criteria provided, single submitter. Criteria: Invitae Variant Classification Sherloc (09022015). Collection method: clinical testing. Allele origin: germline.
Comment: This sequence change replaces glycine, which is neutral and non-polar, with serine, which is neutral and polar, at codon 648 of the ERCC4 protein (p.Gly648Ser). This variant is present in population databases (rs369471816, gnomAD 0.007%). This variant has not been reported in the literature in individuals affected with ERCC4-related conditions. ClinVar contains an entry for this variant (Variation ID: 317818). Advanced modeling of protein sequence and biophysical properties (such as structural, functional, and spatial information, amino acid conservation, physicochemical variation, residue mobility, and thermodynamic stability) has been performed at Invitae for this missense variant, however the output from this modeling did not meet the statistical confidence thresholds required to predict the impact of this variant on ERCC4 protein function. In summary, the available evidence is currently insufficient to determine the role of this variant in disease. Therefore, it has been classified as a Variant of Uncertain Significance.

Blueprint Genetics
Classification: Uncertain significance. Last evaluated: 2023-05-09. Review status: criteria provided, single submitter. Criteria: ACMG Guidelines, 2015. Collection method: clinical testing. Allele origin: germline.

GeneDx
Classification: Uncertain significance. Last evaluated: 2022-01-24. Review status: criteria provided, single submitter. Criteria: GeneDx Variant Classification Process June 2021. Collection method: clinical testing. Allele origin: germline. Affected: yes.
Comment: In silico analysis supports that this missense variant has a deleterious effect on protein structure/function; Has not been previously published as pathogenic or benign to our knowledge

Illumina Laboratory Services, Illumina
Classification: Uncertain significance for Xeroderma pigmentosum, group F. Last evaluated: 2018-01-12. Review status: criteria provided, single submitter. Criteria: ICSL Variant Classification Criteria 13 December 2019. Collection method: clinical testing. Allele origin: germline.

NM_005236.3(ERCC4):c.1942G>A (p.Gly648Ser)

Gene: ERCC4 (ERCC excision repair 4, endonuclease catalytic subunit; plus strand). Cytogenetic location: 16p13.12.
Variant type: single nucleotide variant.
Coding change: c.1942G>A on transcript NM_005236.3 (MANE Select); coding-DNA position 1942, G replaced by A.
Protein change: p.Gly648Ser; replaces glycine 648 with serine.
Molecular consequence: missense variant.
Genome position (GRCh38, 1-based): chr16:13,944,760, G>A. VCF-style: chr16-13944760-G-A. GRCh37 (hg19) VCF-style: chr16-14038617-G-A.
Other names: short protein forms G648S.
Identifiers: ClinVar variation 317818 (VCV000317818.9), dbSNP rs369471816, ClinGen allele CA7910620.
Genomic context (GRCh38, chr16:13,944,760, plus strand): 5'-GTTGACAATGTTTTCTCCCACAGGGAAAAAGCAAGCATGGTTGTCCCTGAAGAAAGAGAA[G>A]GCAGAGATGAAACAAACTTAGACCTAGTAAGAGGCACAGCATCTGCAGATGTTTCCACTG-3'
Protein context (NP_005227.1, residues 638-658): ASMVVPEERE[Gly648Ser]RDETNLDLVR